The following is an entry in ClinVar:

ClinVar aggregate classification (germline): Uncertain significance (1 of 4 stars; one submission).

Conditions:
Leukocyte adhesion deficiency type II. Also called: CDG IIc; CONGENITAL DISORDER OF GLYCOSYLATION, TYPE IIc; Congenital disorder of glycosylation type 2C; CDG 2C; Leukocyte adhesion deficiency type 2; Rambam Hasharon syndrome. Identifiers: Orphanet 2968, Orphanet 99843, MedGen C0398739, MONDO:0009953, OMIM 266265.

gnomAD v4.1: 2 of 1,608,750 alleles (0.00012%); highest among the groups gnomAD compares: African/African-American, 0.0013%; no homozygotes.

Submission:

Labcorp Genetics (formerly Invitae), Labcorp
Classification: Uncertain significance for Leukocyte adhesion deficiency type II. Last evaluated: 2021-09-30. Review status: criteria provided, single submitter. Criteria: Invitae Variant Classification Sherloc (09022015). Collection method: clinical testing. Allele origin: germline.
Comment: Algorithms developed to predict the effect of missense changes on protein structure and function (SIFT, PolyPhen-2, Align-GVGD) all suggest that this variant is likely to be tolerated. In summary, the available evidence is currently insufficient to determine the role of this variant in disease. Therefore, it has been classified as a Variant of Uncertain Significance. This variant has not been reported in the literature in individuals affected with SLC35C1-related conditions. This variant is not present in population databases (ExAC no frequency). This sequence change replaces arginine with proline at codon 108 of the SLC35C1 protein (p.Arg108Pro). The arginine residue is weakly conserved and there is a moderate physicochemical difference between arginine and proline.

NM_018389.5(SLC35C1):c.323G>C (p.Arg108Pro)

Gene: SLC35C1 (solute carrier family 35 member C1; plus strand). Cytogenetic location: 11p11.2.
Variant type: single nucleotide variant.
Coding change: c.323G>C on transcript NM_018389.5 (MANE Select); coding-DNA position 323, G replaced by C.
Protein change: p.Arg108Pro; replaces arginine 108 with proline.
Molecular consequence: missense variant.
Genome position (GRCh38, 1-based): chr11:45,806,124, G>C. VCF-style: chr11-45806124-G-C. GRCh37 (hg19) VCF-style: chr11-45827675-G-C.
Other names: c.284G>C, p.Arg95Pro (NM_001145265.2, NM_001145266.2); short protein forms R95P, R108P.
Identifiers: ClinVar variation 1044668 (VCV001044668.8), dbSNP rs765620583, ClinGen allele CA380202743.
Genomic context (GRCh38, chr11:45,806,124, plus strand): 5'-GCAAAGGCCTCAGCGCTCTGGCCGCCTGCTGCCCTGGTGCCGTGGACTTCCCCAGCTTGC[G>C]CCTGGACCTCAGGGTGGCCCGCAGCGTCCTGCCCCTGTCGGTGGTCTTCATCGGCATGAT-3'
Protein context (NP_060859.4, residues 98-118): CPGAVDFPSL[Arg108Pro]LDLRVARSVL